The following is an entry in ClinVar:

NM_014956.5(CEP164):c.2853C>T (p.Thr951=)

Gene: CEP164 (centrosomal protein 164; plus strand). Cytogenetic location: 11q23.3.
Variant type: single nucleotide variant.
Coding change: c.2853C>T on transcript NM_014956.5 (MANE Select); coding-DNA position 2853, C replaced by T.
Protein change: p.Thr951=; no amino-acid change (threonine 951 retained).
Molecular consequence: synonymous variant.
Genome position (GRCh38, 1-based): chr11:117,395,131, C>T. VCF-style: chr11-117395131-C-T. GRCh37 (hg19) VCF-style: chr11-117265847-C-T.
Other names: c.2862C>T, p.Thr954= (NM_001271933.2); c.2853C>T (NM_014956.4).
Identifiers: ClinVar variation 1109527 (VCV001109527.10), dbSNP rs140641176, ClinGen allele CA6295251.

ClinVar aggregate classification (germline): Likely benign. Review status: criteria provided, multiple submitters, no conflicts (2 of 4 stars). 4 submissions from 4 submitters: Likely benign (3). 1 of the submissions does not count toward it. Last evaluated 2026-01-17.

Conditions:
CEP164-related disorder. Also called: CEP164-related condition.
Nephronophthisis 15 (NPHP15). Identifiers: Orphanet 3156, MedGen C3541853, MONDO:0013917, OMIM 614845.

Allele frequency attached by ClinVar (database versions not stated): gnomAD exomes 0.00003 and 0.00010; gnomAD 0.00004 and 0.00005; ExAC 0.00005; TOPMed 0.00005; ESP Exome Variant Server 0.00008.
gnomAD v4.1: 150 of 1,614,048 alleles (0.0093%); highest among the groups gnomAD compares: Non-Finnish European, 0.012%; no homozygotes.

Submissions (4):

Labcorp Genetics (formerly Invitae), Labcorp
Classification: Likely benign for Nephronophthisis 15. Last evaluated: 2026-01-17. Review status: criteria provided, single submitter. Criteria: Invitae Variant Classification Sherloc (09022015). Collection method: clinical testing. Allele origin: germline.

Blueprint Genetics
Classification: Likely benign. Last evaluated: 2024-02-16. Review status: criteria provided, single submitter. Criteria: ACMG Guidelines, 2015. Collection method: clinical testing. Allele origin: germline.

Fulgent Genetics
Classification: Likely benign for Nephronophthisis 15. Last evaluated: 2021-11-18. Review status: criteria provided, single submitter. Criteria: ACMG Guidelines, 2015. Collection method: clinical testing. Allele origin: unknown.

PreventionGenetics, part of Exact Sciences
Classification: Likely benign for CEP164-related condition. Last evaluated: 2024-07-30. Review status: no assertion criteria provided. Collection method: clinical testing. Allele origin: germline. Not counted in ClinVar's aggregate classification.
Comment: This variant is classified as likely benign based on ACMG/AMP sequence variant interpretation guidelines (Richards et al. 2015 PMID: 25741868, with internal and published modifications).